The following is an entry in ClinVar:

NM_000444.6(PHEX):c.1800dup (p.Pro601fs)

Genes: PTCHD1-AS (PTCHD1 antisense RNA (head to head); minus strand), PHEX (phosphate regulating endopeptidase homolog X-linked; plus strand). Cytogenetic location: Xp22.11.
Variant type: Duplication.
Coding change: c.1800dup on transcript NM_000444.6 (MANE Select); coding-DNA position 1800, one base duplicated (T; older notation c.1800dupT).
Protein change: p.Pro601fs; shifts the reading frame from proline 601.
Molecular consequence: frameshift variant.
Genome position (GRCh38, 1-based): chrX:22,221,644, T duplicated. VCF-style (leftmost placement, unchanged base first): chrX-22221643-A-AT. GRCh37 (hg19) VCF-style: chrX-22239760-A-AT.
Other names: c.1800dup, p.Pro601fs (NM_001282754.2); short protein forms P601fs.
Identifiers: ClinVar variation 280539 (VCV000280539.2), dbSNP rs886041726, ClinGen allele CA10603577.
Genomic context (GRCh38, chrX:22,221,643, plus strand): 5'-CAAATGTCTTCGAACTTTTCCTTTTGCTAGGTAGAAAATATGATAAAAATGGAAACCTGG[A>AT]TCCTTGGTGGTCTACTGAATCAGAAGAAAAGTTTAAGGAAAAAACAAAATGCATGATTAA-3'

ClinVar aggregate classification (germline): Pathogenic (1 of 4 stars; one submission).

Submission:

GeneDx
Classification: Pathogenic. Last evaluated: 2016-04-26. Review status: criteria provided, single submitter. Criteria: GeneDx Variant Classification (06012015). Collection method: clinical testing. Allele origin: germline. Affected: yes.
Comment: The c.1800dupT pathogenic variant in the PHEX gene causes a frameshift starting with codon Proline 601, changes this amino acid to a Serine residue and creates a premature Stop codon at position 6 of the new reading frame, denoted p.Pro601SerfsX6. This pathogenic variant is predicted to cause loss of normal protein function either through protein truncation or nonsense-mediated mRNA decay. In addition, the c.1800dupT variant was not observed in approximately 6,500 individuals of European and African American ancestry in the NHLBI Exome Sequencing Project.